The following is an entry in ClinVar:

NM_177438.3(DICER1):c.3403C>G (p.Gln1135Glu)

Gene: DICER1 (dicer 1, ribonuclease III; minus strand). Cytogenetic location: 14q32.13.
Variant type: single nucleotide variant.
Coding change: c.3403C>G on transcript NM_177438.3 (MANE Select); coding-DNA position 3403, C replaced by G.
Protein change: p.Gln1135Glu; replaces glutamine 1135 with glutamic acid.
Molecular consequence: missense variant.
Genome position (GRCh38, 1-based): chr14:95,103,993, G>C on the plus strand (C>G on the coding strand, the complement: DICER1 is on the minus strand). VCF-style: chr14-95103993-G-C. GRCh37 (hg19) VCF-style: chr14-95570330-G-C.
Other names: c.3403C>G, p.Gln1135Glu (NM_001195573.1, NM_001271282.3, NM_001291628.2 and 1 more transcripts); short protein forms Q1135E.
Identifiers: ClinVar variation 579534 (VCV000579534.16), dbSNP rs755711684, ClinGen allele CA390875584.

ClinVar aggregate classification (germline): Uncertain significance. Review status: criteria provided, multiple submitters, no conflicts (2 of 4 stars). 2 submissions from 2 submitters: Uncertain significance (2). Last evaluated 2024-02-12.

Conditions:
DICER1-related tumor predisposition. Also called: DICER1 syndrome; DICER1-related pleuropulmonary blastoma cancer predisposition syndrome. Identifiers: Orphanet 284343, MedGen C3839822, MONDO:0100216.
Hereditary cancer-predisposing syndrome. Also called: Hereditary neoplastic syndrome; Tumor predisposition; Hereditary Cancer Syndrome; Neoplastic Syndromes, Hereditary. Identifiers: Orphanet 140162, MedGen C0027672, MeSH D009386, MONDO:0015356.

Submissions (2):

Labcorp Genetics (formerly Invitae), Labcorp
Classification: Uncertain significance for DICER1-related tumor predisposition. Last evaluated: 2024-02-12. Review status: criteria provided, single submitter. Criteria: Invitae Variant Classification Sherloc (09022015). Collection method: clinical testing. Allele origin: germline.
Comment: This sequence change replaces glutamine, which is neutral and polar, with glutamic acid, which is acidic and polar, at codon 1135 of the DICER1 protein (p.Gln1135Glu). This variant is not present in population databases (gnomAD no frequency). This variant has not been reported in the literature in individuals affected with DICER1-related conditions. ClinVar contains an entry for this variant (Variation ID: 579534). Advanced modeling of protein sequence and biophysical properties (such as structural, functional, and spatial information, amino acid conservation, physicochemical variation, residue mobility, and thermodynamic stability) performed at Invitae indicates that this missense variant is not expected to disrupt DICER1 protein function with a negative predictive value of 80%. In summary, the available evidence is currently insufficient to determine the role of this variant in disease. Therefore, it has been classified as a Variant of Uncertain Significance.

Ambry Genetics
Classification: Uncertain significance for Hereditary cancer-predisposing syndrome. Last evaluated: 2022-08-29. Review status: criteria provided, single submitter. Criteria: Ambry Variant Classification Scheme 2023. Collection method: clinical testing. Allele origin: germline.
Comment: The p.Q1135E variant (also known as c.3403C>G), located in coding exon 20 of the DICER1 gene, results from a C to G substitution at nucleotide position 3403. The glutamine at codon 1135 is replaced by glutamic acid, an amino acid with highly similar properties. This amino acid position is not well conserved in available vertebrate species. In addition, this alteration is predicted to be tolerated by in silico analysis. Since supporting evidence is limited at this time, the clinical significance of this alteration remains unclear.